The following is an entry in ClinVar:

NM_001365951.3(KIF1B):c.3653G>C (p.Arg1218Pro)

Gene: KIF1B (kinesin family member 1B; plus strand). Cytogenetic location: 1p36.22.
Variant type: single nucleotide variant.
Coding change: c.3653G>C on transcript NM_001365951.3 (MANE Select); coding-DNA position 3653, G replaced by C.
Protein change: p.Arg1218Pro; replaces arginine 1218 with proline.
Molecular consequence: missense variant.
Genome position (GRCh38, 1-based): chr1:10,343,252, G>C. VCF-style: chr1-10343252-G-C. GRCh37 (hg19) VCF-style: chr1-10403310-G-C.
Other names: c.3653G>C, p.Arg1218Pro (NM_001365952.1); c.3515G>C, p.Arg1172Pro (NM_015074.3); short protein forms R1172P, R1218P.
Identifiers: ClinVar variation 3226463 (VCV003226463.1), dbSNP rs2102323732, ClinGen allele CA338342096.
Genomic context (GRCh38, chr1:10,343,252, plus strand): 5'-ACTCTTTATAGTCTTGATCTTTGTCTTCCTTTCTTTGCAGTCCGCCTCAGCCGTGCCGCC[G>C]ATTCTTCCCTCCACCCATGCCACTGTCCAAGCCAGGTGAGCACTCGCTCCGCTTTTTGCA-3'
Protein context (NP_001352880.1, residues 1208-1228): ELNSPPQPCR[Arg1218Pro]FFPPPMPLSK

ClinVar aggregate classification (germline): Uncertain significance (1 of 4 stars; one submission).

Submission:

Ambry Genetics
Classification: Uncertain significance. Last evaluated: 2023-10-29. Review status: criteria provided, single submitter. Criteria: Ambry Variant Classification Scheme 2023. Collection method: clinical testing. Allele origin: germline.
Comment: The p.R1172P variant (also known as c.3515G>C), located in coding exon 31 of the KIF1B gene, results from a G to C substitution at nucleotide position 3515. The arginine at codon 1172 is replaced by proline, an amino acid with dissimilar properties. This amino acid position is conserved. In addition, the in silico prediction for this alteration is inconclusive. Since supporting evidence is limited at this time, the clinical significance of this alteration remains unclear.